The following is an entry in ClinVar:

ClinVar aggregate classification (germline): Uncertain significance (1 of 4 stars; one submission).

Conditions:
Beck-Fahrner syndrome (BEFAHRS). Identifiers: Orphanet 684216, MedGen C5394097, MONDO:0032922, OMIM 618798.

Submission:

University of Washington Department of Laboratory Medicine, University of Washington
Classification: Uncertain significance for Beck-Fahrner syndrome. Last evaluated: 2023-06-16. Review status: criteria provided, single submitter. Criteria: ACMG Guidelines, 2015. Collection method: clinical testing. Allele origin: unknown. Affected: yes.
Comment: The p.Phe1693del variant in the TET3 gene has not been previously reported in association with disease and was absent from large population databases, including the Genome Aggregation Database. This variant results in an in-frame deletion of a single well-conserved amino acid within the oxygenase domain of TET3. Using ACMG guidelines, this variant was classified as a variant of uncertain significance (ACMG evidence codes used: PM2_supporting, PM4_supporting).

NM_001287491.2(TET3):c.5075TCT[1] (p.Phe1693del)

Gene: TET3 (tet methylcytosine dioxygenase 3; plus strand). Cytogenetic location: 2p13.1.
Variant type: Microsatellite.
Coding change: c.5075TCT[1] on transcript NM_001287491.2 (MANE Select); one copy of the 3-base unit TCT starting at c.5075; the reference has two copies in a row; one copy, 3 bases deleted; also written c.5078_5080del.
Protein change: p.Phe1693del; deletes phenylalanine 1693.
Genome position (GRCh38, 1-based): chr2:74,101,866-74,101,868, TCT deleted; deleting any 3 consecutive bases within chr2:74,101,863-74,101,868 gives the same sequence; the position shown is the placement nearest the transcript's 3' end. VCF-style (leftmost placement, unchanged base first): chr2-74101862-GTCT-G. GRCh37 (hg19) VCF-style: chr2-74328989-GTCT-G.
Other names: c.4796TCT[1], p.Phe1600del (NM_001366022.1); c.5078_5080del (NM_001287491.1); short protein forms F1600del, F1693del.
Identifiers: ClinVar variation 3777104 (VCV003777104.1).